The following is an entry in ClinVar:

NM_181336.4(LEMD2):c.1380C>T (p.Val460=)

Gene: LEMD2 (LEM domain nuclear envelope protein 2; minus strand). Cytogenetic location: 6p21.31.
Variant type: single nucleotide variant.
Coding change: c.1380C>T on transcript NM_181336.4 (MANE Select); coding-DNA position 1380, C replaced by T.
Protein change: p.Val460=; no amino-acid change (valine 460 retained).
Molecular consequence: synonymous variant.
Genome position (GRCh38, 1-based): chr6:33,772,760, G>A on the plus strand (C>T on the coding strand, the complement: LEMD2 is on the minus strand). VCF-style: chr6-33772760-G-A. GRCh37 (hg19) VCF-style: chr6-33740537-G-A.
Other names: c.474C>T, p.Val158= (NM_001143944.1, NM_001348709.2); c.981C>T, p.Val327= (NM_001348710.2).
Identifiers: ClinVar variation 4875110 (VCV004875110.2).

ClinVar aggregate classification (germline): Likely benign (1 of 4 stars; one submission).

Submission:

CeGaT Center for Human Genetics Tuebingen
Classification: Likely benign. Last evaluated: 2026-06-01. Review status: criteria provided, single submitter. Criteria: CeGaT Center For Human Genetics Tuebingen Variant Classification Criteria Version 2. Collection method: clinical testing. Allele origin: germline. Affected: yes. Observed: 1 variant allele.
Comment: LEMD2: PM2:Supporting, BP4, BP7